The following is an entry in ClinVar:

NM_138387.4(G6PC3):c.80T>C (p.Leu27Pro)

Genes: G6PC3 (glucose-6-phosphatase catalytic subunit 3; plus strand), LOC130060959 (ATAC-STARR-seq lymphoblastoid active region 12250; plus strand). Cytogenetic location: 17q21.31.
Variant type: single nucleotide variant.
Coding change: c.80T>C on transcript NM_138387.4 (MANE Select); coding-DNA position 80, T replaced by C.
Protein change: p.Leu27Pro; replaces leucine 27 with proline.
Molecular consequence: missense variant. On other transcripts: 5 prime UTR variant (3), intron variant (1).
Genome position (GRCh38, 1-based): chr17:44,071,045, T>C. VCF-style: chr17-44071045-T-C. GRCh37 (hg19) VCF-style: chr17-42148413-T-C.
Other names: c.80T>C, p.Leu27Pro (NM_001319945.2); c.-325T>C (NM_001384165.1); c.-460T>C (NM_001384166.1); c.-450T>C (NM_001384167.1); c.-312+331T>C (NM_001384168.1); short protein forms L27P.
Identifiers: ClinVar variation 4620497 (VCV004620497.1).
Genomic context (GRCh38, chr17:44,071,045, plus strand): 5'-CGGGCATCGTGATAGCCGAGGCGCTACAGAACCAGCTAGCCTGGCTGGAGAACGTGTGGC[T>C]CTGGATCACCTTTCTGGGCGATCCCAAGATCCTCTTTCTGTTCTACTTCCCCGCGGCCTA-3'
Protein context (NP_612396.1, residues 17-37): NQLAWLENVW[Leu27Pro]WITFLGDPKI

ClinVar aggregate classification (germline): Uncertain significance (1 of 4 stars; one submission).

Conditions:
Inborn genetic diseases. Identifiers: MedGen C0950123, MeSH D030342.

Submission:

Ambry Genetics
Classification: Uncertain significance for Inborn genetic diseases. Last evaluated: 2025-10-13. Review status: criteria provided, single submitter. Criteria: Ambry Variant Classification Scheme 2023. Collection method: clinical testing. Allele origin: germline.
Comment: The p.L27P variant (also known as c.80T>C), located in coding exon 1 of the G6PC3 gene, results from a T to C substitution at nucleotide position 80. The leucine at codon 27 is replaced by proline, an amino acid with similar properties. This amino acid position is conserved. In addition, this alteration is predicted to be deleterious by in silico analysis. Based on the available evidence, the clinical significance of this variant remains unclear.